The following is an entry in ClinVar:

NM_020822.3(KCNT1):c.1678G>A (p.Glu560Lys)

Gene: KCNT1 (potassium sodium-activated channel subfamily T member 1; plus strand). Cytogenetic location: 9q34.3.
Variant type: single nucleotide variant.
Coding change: c.1678G>A on transcript NM_020822.3 (MANE Select); coding-DNA position 1678, G replaced by A.
Protein change: p.Glu560Lys; replaces glutamic acid 560 with lysine.
Molecular consequence: missense variant.
Genome position (GRCh38, 1-based): chr9:135,770,356, G>A. VCF-style: chr9-135770356-G-A. GRCh37 (hg19) VCF-style: chr9-138662202-G-A.
Other names: c.1543G>A, p.Glu515Lys (NM_001272003.2); short protein forms E560K, E515K.
Identifiers: ClinVar variation 963250 (VCV000963250.10), dbSNP rs765969410, ClinGen allele CA5327024.

ClinVar aggregate classification (germline): Uncertain significance (1 of 4 stars; one submission).

Conditions:
Autosomal dominant nocturnal frontal lobe epilepsy 5. Also called: Epilepsy, nocturnal frontal lobe, 5; CILIARY DYSKINESIA, PRIMARY, 28, WITH SITUS INVERSUS; KCNT1-Related Epilepsy; CILIARY DYSKINESIA, PRIMARY, 28, WITHOUT SITUS INVERSUS. Identifiers: Orphanet 98784, MedGen C3554306, MONDO:0014002, OMIM 615005.
Developmental and epileptic encephalopathy, 14 (DEE14). Also called: Early infantile epileptic encephalopathy 14. Identifiers: Orphanet 293181, MedGen C3554195, MONDO:0013989, OMIM 614959.

Allele frequency attached by ClinVar (database versions not stated): gnomAD exomes below 0.00001; ExAC 0.00001.
gnomAD v4.1: 9 of 1,613,014 alleles (0.00056%); highest among the groups gnomAD compares: East Asian, 0.0067%; 1 homozygote.

Submission:

Labcorp Genetics (formerly Invitae), Labcorp
Classification: Uncertain significance for Autosomal dominant nocturnal frontal lobe epilepsy 5; Developmental and epileptic encephalopathy, 14. Last evaluated: 2025-08-03. Review status: criteria provided, single submitter. Criteria: Invitae Variant Classification Sherloc (09022015). Collection method: clinical testing. Allele origin: germline.
Comment: This sequence change replaces glutamic acid, which is acidic and polar, with lysine, which is basic and polar, at codon 560 of the KCNT1 protein (p.Glu560Lys). This variant is present in population databases (rs765969410, gnomAD 0.0009%). This variant has not been reported in the literature in individuals affected with KCNT1-related conditions. ClinVar contains an entry for this variant (Variation ID: 963250). Invitae Evidence Modeling of protein sequence and biophysical properties (such as structural, functional, and spatial information, amino acid conservation, physicochemical variation, residue mobility, and thermodynamic stability) indicates that this missense variant is expected to disrupt KCNT1 protein function with a positive predictive value of 80%. In summary, the available evidence is currently insufficient to determine the role of this variant in disease. Therefore, it has been classified as a Variant of Uncertain Significance.